The following is an entry in ClinVar:

ClinVar aggregate classification (germline): Benign/Likely benign. Review status: criteria provided, multiple submitters, no conflicts (2 of 4 stars). 2 submissions from 2 submitters: Benign (1); Likely benign (1). Last evaluated 2025-03-10.

Conditions:
Hereditary cancer-predisposing syndrome. Also called: Tumor predisposition; Hereditary Cancer Syndrome; Hereditary neoplastic syndrome; Neoplastic Syndromes, Hereditary. Identifiers: Orphanet 140162, MedGen C0027672, MeSH D009386, MONDO:0015356.
Pheochromocytoma/paraganglioma syndrome 5. Also called: Paragangliomas 5; SDHA-Related Hereditary Paraganglioma-Pheochromocytoma Syndrome. Identifiers: Orphanet 29072, MedGen C3279992, MONDO:0013602, OMIM 614165.

Submissions (2):

Myriad Genetics, Inc.
Classification: Benign for Pheochromocytoma/paraganglioma syndrome 5. Last evaluated: 2025-03-10. Review status: criteria provided, single submitter. Criteria: Myriad Autosomal Dominant, Autosomal Recessive and X-Linked Classification Criteria (2023). Collection method: clinical testing. Allele origin: unknown.
Comment: This variant is considered benign. This variant is a silent/synonymous amino acid change and it is not expected to impact splicing.

Ambry Genetics
Classification: Likely benign for Hereditary cancer-predisposing syndrome. Last evaluated: 2019-08-09. Review status: criteria provided, single submitter. Criteria: Ambry Variant Classification Scheme 2023. Collection method: clinical testing. Allele origin: germline.

NM_004168.4(SDHA):c.1467G>A (p.Gly489=)

Gene: SDHA (succinate dehydrogenase complex flavoprotein subunit A; plus strand). Cytogenetic location: 5p15.33.
Variant type: single nucleotide variant.
Coding change: c.1467G>A on transcript NM_004168.4 (MANE Select); coding-DNA position 1467, G replaced by A.
Protein change: p.Gly489=; no amino-acid change (glycine 489 retained).
Molecular consequence: synonymous variant.
Genome position (GRCh38, 1-based): chr5:240,392, G>A. VCF-style: chr5-240392-G-A. GRCh37 (hg19) VCF-style: chr5-240507-G-A.
Other names: c.1323G>A, p.Gly441= (NM_001294332.2); c.1467G>A, p.Gly489= (NM_001330758.2).
Identifiers: ClinVar variation 1773282 (VCV001773282.3), dbSNP rs2477397712, ClinGen allele CA442692209.